The following is an entry in ClinVar:

NM_001018113.3(FANCB):c.299A>G (p.Lys100Arg)

Gene: FANCB (FA complementation group B; minus strand). Cytogenetic location: Xp22.2.
Variant type: single nucleotide variant.
Coding change: c.299A>G on transcript NM_001018113.3 (MANE Select); coding-DNA position 299, A replaced by G.
Protein change: p.Lys100Arg; replaces lysine 100 with arginine.
Molecular consequence: missense variant. On other transcripts: non-coding transcript variant (1).
Genome position (GRCh38, 1-based): chrX:14,865,212, T>C on the plus strand (A>G on the coding strand, the complement: FANCB is on the minus strand). VCF-style: chrX-14865212-T-C. GRCh37 (hg19) VCF-style: chrX-14883334-T-C.
Other names: c.299A>G, p.Lys100Arg (NM_001324162.2, NM_001410764.1, NM_152633.4); short protein forms K100R.
Identifiers: ClinVar variation 2760075 (VCV002760075.3), dbSNP rs2519012698, ClinGen allele CA412444828.

ClinVar aggregate classification (germline): Uncertain significance (1 of 4 stars; one submission).

Conditions:
Fanconi anemia (FA). Also called: Fanconi's anemia. Identifiers: Orphanet 84, MedGen C0015625, MeSH D005199, MONDO:0019391.

Submission:

Labcorp Genetics (formerly Invitae), Labcorp
Classification: Uncertain significance for Fanconi anemia. Last evaluated: 2023-09-11. Review status: criteria provided, single submitter. Criteria: Invitae Variant Classification Sherloc (09022015). Collection method: clinical testing. Allele origin: germline.
Comment: This sequence change replaces lysine, which is basic and polar, with arginine, which is basic and polar, at codon 100 of the FANCB protein (p.Lys100Arg). In summary, the available evidence is currently insufficient to determine the role of this variant in disease. Therefore, it has been classified as a Variant of Uncertain Significance. Advanced modeling of protein sequence and biophysical properties (such as structural, functional, and spatial information, amino acid conservation, physicochemical variation, residue mobility, and thermodynamic stability) performed at Invitae indicates that this missense variant is not expected to disrupt FANCB protein function. This variant has not been reported in the literature in individuals affected with FANCB-related conditions. This variant is not present in population databases (gnomAD no frequency).